The following is an entry in ClinVar:

ClinVar aggregate classification (germline): Uncertain significance (1 of 4 stars; one submission).

Allele frequency attached by ClinVar (database versions not stated): gnomAD 0.00012 and 0.00015; gnomAD exomes 0.00012 and 0.00015; ExAC 0.00014; ESP Exome Variant Server 0.00015; TOPMed 0.00017.
gnomAD v4.1: 208 of 1,612,392 alleles (0.013%); highest among the groups gnomAD compares: Middle Eastern, 0.082%; no homozygotes.

Submission:

Labcorp Genetics (formerly Invitae), Labcorp
Classification: Uncertain significance. Last evaluated: 2022-04-20. Review status: criteria provided, single submitter. Criteria: Invitae Variant Classification Sherloc (09022015). Collection method: clinical testing. Allele origin: germline.
Comment: This sequence change replaces aspartic acid, which is acidic and polar, with asparagine, which is neutral and polar, at codon 3036 of the VPS13C protein (p.Asp3036Asn). This variant is present in population databases (rs149077892, gnomAD 0.2%). This variant has not been reported in the literature in individuals affected with VPS13C-related conditions. Algorithms developed to predict the effect of missense changes on protein structure and function are either unavailable or do not agree on the potential impact of this missense change (SIFT: "Tolerated"; PolyPhen-2: "Probably Damaging"; Align-GVGD: "Class C0"). In summary, the available evidence is currently insufficient to determine the role of this variant in disease. Therefore, it has been classified as a Variant of Uncertain Significance.

NM_020821.3(VPS13C):c.9106G>A (p.Asp3036Asn)

Gene: VPS13C (vacuolar protein sorting 13 homolog C; minus strand). Cytogenetic location: 15q22.2.
Variant type: single nucleotide variant.
Coding change: c.9106G>A on transcript NM_020821.3 (MANE Select); coding-DNA position 9106, G replaced by A.
Protein change: p.Asp3036Asn; replaces aspartic acid 3036 with asparagine.
Molecular consequence: missense variant.
Genome position (GRCh38, 1-based): chr15:61,890,400, C>T on the plus strand (G>A on the coding strand, the complement: VPS13C is on the minus strand). VCF-style: chr15-61890400-C-T. GRCh37 (hg19) VCF-style: chr15-62182599-C-T.
Other names: c.9106G>A, p.Asp3036Asn (NM_001018088.3); c.8977G>A, p.Asp2993Asn (NM_017684.5, NM_018080.4); short protein forms D2993N, D3036N.
Identifiers: ClinVar variation 1520001 (VCV001520001.3), dbSNP rs149077892, ClinGen allele CA7594733.